The following is an entry in ClinVar:

NM_000038.6(APC):c.8022T>C (p.Ser2674=)

Gene: APC (APC regulator of Wnt signaling pathway; plus strand). Cytogenetic location: 5q22.2.
Variant type: single nucleotide variant.
Coding change: c.8022T>C on transcript NM_000038.6 (MANE Select); coding-DNA position 8022, T replaced by C.
Protein change: p.Ser2674=; no amino-acid change (serine 2674 retained).
Molecular consequence: synonymous variant. On other transcripts: non-coding transcript variant (2).
Genome position (GRCh38, 1-based): chr5:112,843,616, T>C. VCF-style: chr5-112843616-T-C. GRCh37 (hg19) VCF-style: chr5-112179313-T-C.
Other names: c.7773T>C, p.Ser2591= (NM_001407455.1, NM_001407457.1, NM_001407456.1 and 1 more transcripts); c.7719T>C, p.Ser2573= (NM_001407458.1, NM_001407459.1, NM_001407460.1 and 1 more transcripts); c.6870T>C, p.Ser2290= (NM_001407471.1, NM_001407472.1); c.7635T>C, p.Ser2545= (NM_001407467.1, NM_001407469.1); c.7173T>C, p.Ser2391= (NM_001407470.1, NM_001354906.2); c.8022T>C, p.Ser2674= (NM_001127510.3, NM_001354895.2, NM_001407450.1); c.7968T>C, p.Ser2656= (NM_001127511.3); c.8076T>C, p.Ser2692= (NM_001354896.2, NM_001407447.1, NM_001407448.1 and 1 more transcripts); and 11 more.
Identifiers: ClinVar variation 3254477 (VCV003254477.1), dbSNP rs2533838368.
Genomic context (GRCh38, chr5:112,843,616, plus strand): 5'-AGAGGATGTTTGGGTGAGAATTGAGGACTGTCCCATTAACAATCCTAGATCTGGAAGATC[T>C]CCCACAGGTAATACTCCCCCGGTGATTGACAGTGTTTCAGAAAAGGCAAATCCAAACATT-3'
Protein context (NP_000029.2, residues 2664-2684): CPINNPRSGR[Ser2674=]PTGNTPPVID

ClinVar aggregate classification (germline): Benign (1 of 4 stars; one submission).

Conditions:
Familial adenomatous polyposis 1 (FAP1). Also called: FAMILIAL ADENOMATOUS POLYPOSIS 1, ATTENUATED; POLYPOSIS, ADENOMATOUS INTESTINAL. Identifiers: MedGen C2713442, MONDO:0021056, OMIM 175100. Disease mechanism: loss of function.

Submission:

Myriad Genetics, Inc.
Classification: Benign for Familial adenomatous polyposis 1. Last evaluated: 2024-04-12. Review status: criteria provided, single submitter. Criteria: Myriad Autosomal Dominant, Autosomal Recessive and X-Linked Classification Criteria (2023). Collection method: clinical testing. Allele origin: unknown.
Comment: This variant is considered benign. This variant is a silent/synonymous amino acid change and it is not expected to impact splicing.